The following is an entry in ClinVar:

ClinVar aggregate classification (germline): Uncertain significance. Review status: criteria provided, multiple submitters, no conflicts (2 of 4 stars). 3 submissions from 3 submitters: Uncertain significance (2). 1 of the submissions does not count toward it. Last evaluated 2025-09-26.

Conditions:
Inborn genetic diseases. Identifiers: MedGen C0950123, MeSH D030342.
Retinal dystrophy. Also called: Inherited retinal dystrophy. Identifiers: Orphanet 71862, MedGen C0854723, MeSH D058499, MONDO:0019118, HP:0000556.

Allele frequency attached by ClinVar (database versions not stated): TOPMed 0.00002; gnomAD 0.00001; ExAC 0.00002.
gnomAD v4.1: 14 of 1,614,018 alleles (0.00087%); highest among the groups gnomAD compares: Middle Eastern, 0.016%; no homozygotes.

Submissions (3):

Ambry Genetics
Classification: Uncertain significance for Inborn genetic diseases. Last evaluated: 2025-09-26. Review status: criteria provided, single submitter. Criteria: Ambry Variant Classification Scheme 2023. Collection method: clinical testing. Allele origin: germline.

Labcorp Genetics (formerly Invitae), Labcorp
Classification: Uncertain significance. Last evaluated: 2021-11-03. Review status: criteria provided, single submitter. Criteria: Invitae Variant Classification Sherloc (09022015). Collection method: clinical testing. Allele origin: germline.
Comment: This variant is present in population databases (rs777371599, gnomAD 0.006%). This sequence change replaces alanine, which is neutral and non-polar, with threonine, which is neutral and polar, at codon 427 of the POC1B protein (p.Ala427Thr). This variant has not been reported in the literature in individuals affected with POC1B-related conditions. In summary, the available evidence is currently insufficient to determine the role of this variant in disease. Therefore, it has been classified as a Variant of Uncertain Significance. Algorithms developed to predict the effect of missense changes on protein structure and function are either unavailable or do not agree on the potential impact of this missense change (SIFT: "Tolerated"; PolyPhen-2: "Possibly Damaging"; Align-GVGD: "Class C0").

Institute of Human Genetics, Univ. Regensburg, Univ. Regensburg
Classification: Uncertain significance for Retinal dystrophy. Last evaluated: 2023-01-01. Review status: no assertion criteria provided. Criteria: ACMG Guidelines, 2015. Collection method: clinical testing. Allele origin: germline. Affected: yes. Not counted in ClinVar's aggregate classification.

NM_172240.3(POC1B):c.1279G>A (p.Ala427Thr)

Genes: POC1B-DUSP6 (POC1B-DUSP6 readthrough; minus strand), POC1B (POC1 centriolar protein B; minus strand). Cytogenetic location: 12q21.33.
Variant type: single nucleotide variant.
Coding change: c.1279G>A on transcript NM_172240.3 (MANE Select); coding-DNA position 1279, G replaced by A.
Protein change: p.Ala427Thr; replaces alanine 427 with threonine.
Molecular consequence: missense variant. On other transcripts: non-coding transcript variant (2).
Genome position (GRCh38, 1-based): chr12:89,425,214, C>T on the plus strand (G>A on the coding strand, the complement: POC1B is on the minus strand). VCF-style: chr12-89425214-C-T. GRCh37 (hg19) VCF-style: chr12-89818991-C-T.
Other names: c.1153G>A, p.Ala385Thr (NM_001199777.2); c.1279G>A (NM_172240.2); short protein forms A427T, A385T.
Identifiers: ClinVar variation 1450151 (VCV001450151.7), dbSNP rs777371599, ClinGen allele CA6714218.
Genomic context (GRCh38, chr12:89,425,214, plus strand): 5'-TGCCCACCTGTGTCAAAACATTGAGTTGTTCCATAATATGCTCTAAAGCATCAGTCACAG[C>T]GAGAGGTATGCTCCTTTGACTTTCACAGGGGAGGTCACTCATGTCTTCTGTTTTCTTTTT-3'
Protein context (NP_758440.1, residues 417-437): PCESQRSIPL[Ala427Thr]VTDALEHIME